The following is an entry in ClinVar:

ClinVar aggregate classification (germline): Likely benign (0 of 4 stars; one submission).

Conditions:
UACA-related disorder. Also called: UACA-related condition.

gnomAD v4.1: 101 of 1,613,478 alleles (0.0063%); highest among the groups gnomAD compares: South Asian, 0.11%; 1 homozygote.

Submission:

PreventionGenetics, part of Exact Sciences
Classification: Likely benign for UACA-related condition. Last evaluated: 2019-12-30. Review status: no assertion criteria provided. Collection method: clinical testing. Allele origin: germline.
Comment: This variant is classified as likely benign based on ACMG/AMP sequence variant interpretation guidelines (Richards et al. 2015 PMID: 25741868, with internal and published modifications).

NM_018003.4(UACA):c.747A>C (p.Leu249=)

Gene: UACA (uveal autoantigen with coiled-coil domains and ankyrin repeats; minus strand). Cytogenetic location: 15q23.
Variant type: single nucleotide variant.
Coding change: c.747A>C on transcript NM_018003.4 (MANE Select); coding-DNA position 747, A replaced by C.
Protein change: p.Leu249=; no amino-acid change (leucine 249 retained).
Molecular consequence: synonymous variant.
Genome position (GRCh38, 1-based): chr15:70,684,302, T>G on the plus strand (A>C on the coding strand, the complement: UACA is on the minus strand). VCF-style: chr15-70684302-T-G. GRCh37 (hg19) VCF-style: chr15-70976641-T-G.
Other names: c.708A>C, p.Leu236= (NM_001008224.3).
Identifiers: ClinVar variation 3356745 (VCV003356745.1).